The following is an entry in ClinVar:

NM_000535.7(PMS2):c.558G>A (p.Gln186=)

Gene: PMS2 (PMS1 homolog 2, mismatch repair system component; minus strand). Cytogenetic location: 7p22.1.
Variant type: single nucleotide variant.
Coding change: c.558G>A on transcript NM_000535.7 (MANE Select); coding-DNA position 558, G replaced by A.
Protein change: p.Gln186=; no amino-acid change (glutamine 186 retained).
Molecular consequence: synonymous variant. On other transcripts: non-coding transcript variant (1), intron variant (9).
Genome position (GRCh38, 1-based): chr7:5,999,255, C>T on the plus strand (G>A on the coding strand, the complement: PMS2 is on the minus strand). VCF-style: chr7-5999255-C-T. GRCh37 (hg19) VCF-style: chr7-6038886-C-T.
Other names: c.153G>A, p.Gln51= (NM_001018040.1, NM_001322003.2, NM_001322004.2 and 22 more transcripts); c.558G>A, p.Gln186= (NM_001322006.2, NM_001322014.2, NM_001406869.1 and 5 more transcripts); c.240G>A, p.Gln80= (NM_001322007.2, NM_001322008.2, NM_001406876.1 and 4 more transcripts); c.249G>A, p.Gln83= (NM_001322015.2, NM_001406875.1, NM_001406877.1 and 6 more transcripts); c.744G>A, p.Gln248= (NM_001406866.1); c.582G>A, p.Gln194= (NM_001406868.1); c.132+3198G>A (NM_001406911.1); c.133-1832G>A (NM_001322013.2, NM_001406909.1); and 4 more.
Identifiers: ClinVar variation 1748484 (VCV001748484.8), dbSNP rs769411134, ClinGen allele CA453647262.
Genomic context (GRCh38, chr7:5,999,255, plus strand): 5'-AAGCTGATTGGTGCAACTTACACGGATGCCTGCTGAAATGATACAGTATGCATGTAAGAC[C>T]TGGACCATTTTGGCATACTCCTGTTTAAAAAACACAAACACAATATTCTACATTACTTTA-3'
Protein context (NP_000526.2, residues 176-196): NIKKEYAKMV[Gln186=]VLHAYCIISA

ClinVar aggregate classification (germline): Benign/Likely benign. Review status: criteria provided, multiple submitters, no conflicts (2 of 4 stars). 3 submissions from 3 submitters: Benign (1); Likely benign (2). Last evaluated 2025-01-27.

Conditions:
Hereditary cancer-predisposing syndrome. Also called: Hereditary Cancer Syndrome; Hereditary neoplastic syndrome; Neoplastic Syndromes, Hereditary; Tumor predisposition. Identifiers: Orphanet 140162, MedGen C0027672, MeSH D009386, MONDO:0015356.
Hereditary nonpolyposis colorectal neoplasms. Identifiers: MedGen C0009405, MeSH D003123.
Lynch syndrome 4 (LYNCH4). Also called: Colorectal cancer, hereditary nonpolyposis, type 4; Hereditary non-polyposis colorectal cancer, type 4. Identifiers: Orphanet 144, MedGen C1838333, MONDO:0013699, OMIM 614337. Disease mechanism: loss of function.

Submissions (3):

Myriad Genetics, Inc.
Classification: Benign for Lynch syndrome 4. Last evaluated: 2025-01-27. Review status: criteria provided, single submitter. Criteria: Myriad Autosomal Dominant, Autosomal Recessive and X-Linked Classification Criteria (2023). Collection method: clinical testing. Allele origin: unknown.
Comment: This variant is considered benign. This variant is a silent/synonymous amino acid change and it is not expected to impact splicing.

Labcorp Genetics (formerly Invitae), Labcorp
Classification: Likely benign for Hereditary nonpolyposis colorectal neoplasms. Last evaluated: 2024-02-26. Review status: criteria provided, single submitter. Criteria: Invitae Variant Classification Sherloc (09022015). Collection method: clinical testing. Allele origin: germline.

Ambry Genetics
Classification: Likely benign for Hereditary cancer-predisposing syndrome. Last evaluated: 2021-01-01. Review status: criteria provided, single submitter. Criteria: Ambry Variant Classification Scheme 2023. Collection method: clinical testing. Allele origin: germline.